The following is an entry in ClinVar:

ClinVar aggregate classification (germline): Uncertain significance (1 of 4 stars; one submission).

Submission:

Ambry Genetics
Classification: Uncertain significance. Last evaluated: 2023-03-25. Review status: criteria provided, single submitter. Criteria: Ambry Variant Classification Scheme 2023. Collection method: clinical testing. Allele origin: germline.
Comment: The p.E1089D variant (also known as c.3267A>C), located in coding exon 18 of the PALLD gene, results from an A to C substitution at nucleotide position 3267. The glutamic acid at codon 1089 is replaced by aspartic acid, an amino acid with highly similar properties. This amino acid position is conserved. In addition, this alteration is predicted to be tolerated by in silico analysis. Since supporting evidence is limited at this time, the clinical significance of this alteration remains unclear.

NM_001166108.2(PALLD):c.3318A>C (p.Glu1106Asp)

Genes: CBR4 (carbonyl reductase 4; minus strand), PALLD (palladin, cytoskeletal associated protein; plus strand). Cytogenetic location: 4q32.3.
Variant type: single nucleotide variant.
Coding change: c.3318A>C on transcript NM_001166108.2 (MANE Select); coding-DNA position 3318, A replaced by C.
Protein change: p.Glu1106Asp; replaces glutamic acid 1106 with aspartic acid.
Molecular consequence: missense variant.
Genome position (GRCh38, 1-based): chr4:168,925,038, A>C. VCF-style: chr4-168925038-A-C. GRCh37 (hg19) VCF-style: chr4-169846189-A-C.
Other names: c.2121A>C, p.Glu707Asp (NM_001166109.2); c.1806A>C, p.Glu602Asp (NM_001166110.2); c.1146A>C, p.Glu382Asp (NM_001367567.1, NM_001367569.1); c.1197A>C, p.Glu399Asp (NM_001367568.1, NM_001367570.1); c.3267A>C, p.Glu1089Asp (NM_016081.4); short protein forms E1089D, E1106D, E707D, E382D, E399D, E602D.
Identifiers: ClinVar variation 2560483 (VCV002560483.2), dbSNP rs2534268869, ClinGen allele CA358714171.